The following is an entry in ClinVar:

NM_020800.3(IFT80):c.1028A>T (p.Asn343Ile)

Genes: TRIM59-IFT80 (TRIM59-IFT80 readthrough (NMD candidate); minus strand), IFT80 (intraflagellar transport 80; minus strand). Cytogenetic location: 3q25.33.
Variant type: single nucleotide variant.
Coding change: c.1028A>T on transcript NM_020800.3 (MANE Select); coding-DNA position 1028, A replaced by T.
Protein change: p.Asn343Ile; replaces asparagine 343 with isoleucine.
Molecular consequence: missense variant. On other transcripts: non-coding transcript variant (3).
Genome position (GRCh38, 1-based): chr3:160,307,711, T>A on the plus strand (A>T on the coding strand, the complement: IFT80 is on the minus strand). VCF-style: chr3-160307711-T-A. GRCh37 (hg19) VCF-style: chr3-160025499-T-A.
Other names: c.617A>T, p.Asn206Ile (NM_001190241.2, NM_001190242.2); short protein forms N343I, N206I.
Identifiers: ClinVar variation 1919937 (VCV001919937.5), dbSNP rs2473211541, ClinGen allele CA355194542.

ClinVar aggregate classification (germline): Uncertain significance (1 of 4 stars; one submission).

Conditions:
Jeune thoracic dystrophy. Also called: Jeune syndrome; Infantile thoracic dystrophy; Thoracic pelvic phalangeal dystrophy; Jeune's syndrome; Chondroectodermal dysplasia-like syndrome; Short-rib thoracic dysplasia. Identifiers: Orphanet 474, MedGen C0265275, MONDO:0018770.

Submission:

Labcorp Genetics (formerly Invitae), Labcorp
Classification: Uncertain significance for Jeune thoracic dystrophy. Last evaluated: 2022-09-06. Review status: criteria provided, single submitter. Criteria: Invitae Variant Classification Sherloc (09022015). Collection method: clinical testing. Allele origin: germline.
Comment: In summary, the available evidence is currently insufficient to determine the role of this variant in disease. Therefore, it has been classified as a Variant of Uncertain Significance. Algorithms developed to predict the effect of missense changes on protein structure and function (SIFT, PolyPhen-2, Align-GVGD) all suggest that this variant is likely to be tolerated. This variant has not been reported in the literature in individuals affected with IFT80-related conditions. This variant is not present in population databases (gnomAD no frequency). This sequence change replaces asparagine, which is neutral and polar, with isoleucine, which is neutral and non-polar, at codon 343 of the IFT80 protein (p.Asn343Ile).